The following is an entry in ClinVar:

ClinVar aggregate classification (germline): Uncertain significance (1 of 4 stars; one submission).

gnomAD v4.1: 9 of 1,614,128 alleles (0.00056%); highest among the groups gnomAD compares: Admixed American, 0.0033%; no homozygotes.

Submission:

Labcorp Genetics (formerly Invitae), Labcorp
Classification: Uncertain significance. Last evaluated: 2025-05-21. Review status: criteria provided, single submitter. Criteria: Invitae Variant Classification Sherloc (09022015). Collection method: clinical testing. Allele origin: germline.
Comment: This sequence change replaces threonine, which is neutral and polar, with methionine, which is neutral and non-polar, at codon 443 of the ADCY1 protein (p.Thr443Met). This variant is present in population databases (rs376984015, gnomAD 0.006%). This variant has not been reported in the literature in individuals affected with ADCY1-related conditions. Invitae Evidence Modeling of protein sequence and biophysical properties (such as structural, functional, and spatial information, amino acid conservation, physicochemical variation, residue mobility, and thermodynamic stability) has been performed for this missense variant. However, the output from this modeling did not meet the statistical confidence thresholds required to predict the impact of this variant on ADCY1 protein function. In summary, the available evidence is currently insufficient to determine the role of this variant in disease. Therefore, it has been classified as a Variant of Uncertain Significance.

NM_021116.4(ADCY1):c.1328C>T (p.Thr443Met)

Gene: ADCY1 (adenylate cyclase 1; plus strand). Cytogenetic location: 7p12.3.
Variant type: single nucleotide variant.
Coding change: c.1328C>T on transcript NM_021116.4 (MANE Select); coding-DNA position 1328, C replaced by T.
Protein change: p.Thr443Met; replaces threonine 443 with methionine.
Molecular consequence: missense variant.
Genome position (GRCh38, 1-based): chr7:45,660,062, C>T. VCF-style: chr7-45660062-C-T. GRCh37 (hg19) VCF-style: chr7-45699661-C-T.
Other names: c.653C>T, p.Thr218Met (NM_001281768.2); short protein forms T218M, T443M.
Identifiers: ClinVar variation 4798356 (VCV004798356.1).